The following is an entry in ClinVar:

NM_001001563.3(TIMM50):c.188C>T

Gene: TIMM50 (translocase of inner mitochondrial membrane 50; plus strand). Cytogenetic location: 19q13.2.
Variant type: single nucleotide variant.
Coding change: c.188C>T on transcript NM_001001563.3; coding-DNA position 188, C replaced by T.
Genome position (GRCh38, 1-based): chr19:39,480,732, C>T. VCF-style: chr19-39480732-C-T. GRCh37 (hg19) VCF-style: chr19-39971372-C-T.
Identifiers: ClinVar variation 1403567 (VCV001403567.7), dbSNP rs368335134, ClinGen allele CA9431577.

ClinVar aggregate classification (germline): Conflicting classifications of pathogenicity. Review status: criteria provided, conflicting classifications (1 of 4 stars). 3 submissions from 3 submitters: Uncertain significance (2); Likely benign (1). Last evaluated 2026-06-16.

Conditions:
TIMM50-related disorder. Also called: TIMM50-related condition.
Inborn genetic diseases. Identifiers: MedGen C0950123, MeSH D030342.

Allele frequency attached by ClinVar (database versions not stated): gnomAD exomes 0.00003; ExAC 0.00005; ESP Exome Variant Server 0.00008; gnomAD 0.00003; TOPMed 0.00003.

Submissions (3):

PreventionGenetics, part of Exact Sciences
Classification: Uncertain significance for TIMM50-related condition. Last evaluated: 2026-06-16. Review status: criteria provided, single submitter. Criteria: ACMG Guidelines, 2015. Collection method: clinical testing. Allele origin: germline.
Comment: The TIMM50 c.188C>T variant is predicted to result in the amino acid substitution p.Ala63Val. To our knowledge, this variant has not been reported in the literature. This variant is reported in 0.0062% of alleles in individuals of European (Non-Finnish) descent in gnomAD. At this time, the clinical significance of this variant is uncertain due to the absence of conclusive functional and genetic evidence.

Ambry Genetics
Classification: Likely benign for Inborn genetic diseases. Last evaluated: 2023-04-26. Review status: criteria provided, single submitter. Criteria: Ambry Variant Classification Scheme 2023. Collection method: clinical testing. Allele origin: germline.

Labcorp Genetics (formerly Invitae), Labcorp
Classification: Uncertain significance. Last evaluated: 2022-10-04. Review status: criteria provided, single submitter. Criteria: Invitae Variant Classification Sherloc (09022015). Collection method: clinical testing. Allele origin: germline.
Comment: This sequence change replaces alanine, which is neutral and non-polar, with valine, which is neutral and non-polar, at codon 63 of the TIMM50 protein (p.Ala63Val). This variant is present in population databases (rs368335134, gnomAD 0.006%). This variant has not been reported in the literature in individuals affected with TIMM50-related conditions. ClinVar contains an entry for this variant (Variation ID: 1403567). Algorithms developed to predict the effect of missense changes on protein structure and function output the following: SIFT: "Not Available"; PolyPhen-2: "Benign"; Align-GVGD: "Not Available". The valine amino acid residue is found in multiple mammalian species, which suggests that this missense change does not adversely affect protein function. In summary, the available evidence is currently insufficient to determine the role of this variant in disease. Therefore, it has been classified as a Variant of Uncertain Significance.